The following is an entry in ClinVar:

ClinVar aggregate classification (germline): Likely benign (1 of 4 stars; one submission).

Submission:

Laboratory for Molecular Medicine, Mass General Brigham Personalized Medicine
Classification: Likely benign. Last evaluated: 2015-08-18. Review status: criteria provided, single submitter. Criteria: LMM Criteria. Collection method: clinical testing. Allele origin: germline. Observed: 1 variant allele.
Comment: p.Ala144Val in exon 5 of OTOG: This variant is not expected to have clinical si gnificance due to a lack of conservation across species, including mammals. Of n ote, mouse, dolphin, killer whale and elephant have a valine (Val) at this posit ion despite high nearby amino acid conservation. In addition, computational pred iction tools do not suggest a high likelihood of impact to the protein.

NM_001292063.2(OTOG):c.395C>T (p.Ala132Val)

Gene: OTOG (otogelin; plus strand). Cytogenetic location: 11p15.1.
Variant type: single nucleotide variant.
Coding change: c.395C>T on transcript NM_001292063.2 (MANE Select); coding-DNA position 395, C replaced by T.
Protein change: p.Ala132Val; replaces alanine 132 with valine.
Molecular consequence: missense variant.
Genome position (GRCh38, 1-based): chr11:17,553,374, C>T. VCF-style: chr11-17553374-C-T. GRCh37 (hg19) VCF-style: chr11-17574921-C-T.
Other names: c.431C>T, p.Ala144Val (NM_001277269.2); short protein forms A144V, A132V.
Identifiers: ClinVar variation 227781 (VCV000227781.5), dbSNP rs766172178, ClinGen allele CA10576853.